The following is an entry in ClinVar:

NM_000052.7(ATP7A):c.2353C>A (p.Pro785Thr)

Gene: ATP7A (ATPase copper transporting alpha; plus strand). Cytogenetic location: Xq21.1.
Variant type: single nucleotide variant.
Coding change: c.2353C>A on transcript NM_000052.7 (MANE Select); coding-DNA position 2353, C replaced by A.
Protein change: p.Pro785Thr; replaces proline 785 with threonine.
Molecular consequence: missense variant. On other transcripts: intron variant (1).
Genome position (GRCh38, 1-based): chrX:78,013,059, C>A. VCF-style: chrX-78013059-C-A. GRCh37 (hg19) VCF-style: chrX-77268556-C-A.
Other names: c.2172+1385C>A (NM_001282224.2); short protein forms P785T.
Identifiers: ClinVar variation 389710 (VCV000389710.7), dbSNP rs1057523512, ClinGen allele CA16608951.
Genomic context (GRCh38, chrX:78,013,059, plus strand): 5'-CTTCTAGTTGCAATGTATGAGAGAGCCAAAGTGAACCCTATTACTTTCTTTGACACACCC[C>A]CTATGCTGTTTGTGTTTATTGCACTAGGCCGATGGCTGGAACATATAGCAAAGGTAAAGT-3'
Protein context (NP_000043.4, residues 775-795): VNPITFFDTP[Pro785Thr]MLFVFIALGR

ClinVar aggregate classification (germline): Uncertain significance. Review status: criteria provided, multiple submitters, no conflicts (2 of 4 stars). 2 submissions from 2 submitters: Uncertain significance (2). Last evaluated 2021-08-27.

Conditions:
Cutis laxa, X-linked (OHS). Also called: EDS IX; Occipital horn syndrome. Identifiers: Orphanet 198, MedGen C0268353, MONDO:0010572, OMIM 304150.
X-linked distal spinal muscular atrophy type 3. Also called: SPINAL MUSCULAR ATROPHY, DISTAL, X-LINKED RECESSIVE; ATP7A-Related Distal Motor Neuropathy; NEURONOPATHY, DISTAL HEREDITARY MOTOR, X-LINKED; NEUROPATHY, DISTAL HEREDITARY MOTOR, X-LINKED. Identifiers: Orphanet 139557, MedGen C1845359, MONDO:0010338, OMIM 300489.
Menkes kinky-hair syndrome (MNK). Also called: Copper transport disease; Menkes Disease; Classic Menkes Disease. Identifiers: Orphanet 565, MedGen C0022716, MONDO:0010651, OMIM 309400.

Allele frequency attached by ClinVar (database versions not stated): gnomAD exomes below 0.00001.
gnomAD v4.1: 3 of 1,211,080 alleles (0.00025%); highest among the groups gnomAD compares: Non-Finnish European, 0.00034%; no homozygotes.

Submissions (2):

Labcorp Genetics (formerly Invitae), Labcorp
Classification: Uncertain significance for X-linked distal spinal muscular atrophy type 3; Cutis laxa, X-linked; Menkes kinky-hair syndrome. Last evaluated: 2021-08-27. Review status: criteria provided, single submitter. Criteria: Invitae Variant Classification Sherloc (09022015). Collection method: clinical testing. Allele origin: germline.
Comment: This sequence change replaces proline with threonine at codon 785 of the ATP7A protein (p.Pro785Thr). The proline residue is highly conserved and there is a small physicochemical difference between proline and threonine. This variant is not present in population databases (ExAC no frequency). This variant has not been reported in the literature in individuals affected with ATP7A-related conditions. ClinVar contains an entry for this variant (Variation ID: 389710). Algorithms developed to predict the effect of missense changes on protein structure and function are either unavailable or do not agree on the potential impact of this missense change (SIFT: "Tolerated"; PolyPhen-2: "Probably Damaging"; Align-GVGD: "Class C0"). In summary, the available evidence is currently insufficient to determine the role of this variant in disease. Therefore, it has been classified as a Variant of Uncertain Significance.

GeneDx
Classification: Uncertain significance. Last evaluated: 2016-10-04. Review status: criteria provided, single submitter. Criteria: GeneDx Variant Classification (06012015). Collection method: clinical testing. Allele origin: germline. Affected: yes.
Comment: A variant of uncertain significance has been identified in the ATP7A gene. The P785T variant has not been published as a pathogenic variant, nor has it been reported as a benign variant to our knowledge. It was not observed in approximately 6,500 individuals of European and African American ancestry in the NHLBI Exome Sequencing Project, indicating it is not a common benign variant in these populations. The P785T variant is a non-conservative amino acid substitution, which is likely to impact secondary protein structure as these residues differ in polarity, charge, size and/or other properties. This substitution occurs at a position that is conserved across species and in silico analysis predicts this variant is probably damaging to the protein structure/function. However, missense variants in nearby residues have not been reported in the Human Gene Mutation Database in association with ATP7A-related disorders (Stenson et al., 2014). Therefore, based on the currently available information, it is unclear whether this variant is a pathogenic variant or a rare benign variant.